The following is an entry in ClinVar:

NM_001130987.2(DYSF):c.6017del (p.Gly2006fs)

Gene: DYSF (dysferlin; plus strand). Cytogenetic location: 2p13.2.
Variant type: Deletion.
Coding change: c.6017del on transcript NM_001130987.2 (MANE Select); coding-DNA position 6017, one base deleted (G; older notation c.6017delG).
Protein change: p.Gly2006fs; shifts the reading frame from glycine 2006.
Molecular consequence: frameshift variant.
Genome position (GRCh38, 1-based): chr2:71,679,189, G deleted; the last of 3 consecutive G bases (chr2:71,679,187-71,679,189); deleting any one gives the same sequence. VCF-style (leftmost placement, unchanged base first): chr2-71679186-AG-A. GRCh37 (hg19) VCF-style: chr2-71906316-AG-A.
Other names: NM_003494.4:c.5900del; c.5903del, p.Gly1968fs (NM_001130455.2); c.5858del, p.Gly1953fs (NM_001130976.2); c.5921del, p.Gly1974fs (NM_001130977.2); c.5963del, p.Gly1988fs (NM_001130978.2); c.5993del, p.Gly1998fs (NM_001130979.2); c.5951del, p.Gly1984fs (NM_001130980.2); c.6014del, p.Gly2005fs (NM_001130981.2); and 6 more; short protein forms G1953fs, G1954fs, G1967fs, G1968fs, G1974fs, G1975fs, G1984fs, G1985fs.
Identifiers: ClinVar variation 4528885 (VCV004528885.1).

ClinVar aggregate classification (germline): Pathogenic (3 of 4 stars; one submission).

Conditions:
Autosomal recessive limb-girdle muscular dystrophy. Identifiers: Orphanet 102015, MedGen C2931907, MONDO:0015152.

Submission:

ClinGen Limb Girdle Muscular Dystrophy Variant Curation Expert Panel, ClinGen
Classification: Pathogenic for Autosomal recessive limb-girdle muscular dystrophy. Last evaluated: 2025-07-08. Review status: reviewed by expert panel. Criteria: ClinGen LGMD VCEP ACMG Specifications DYSF V1.0.0. Collection method: curation. Allele origin: germline. Inheritance: Autosomal recessive inheritance.
Comment: The NM_003494.4: c.5900del p.(Gly1967AlafsTer6) variant in DYSF, which is also known as NM_001130987.2: c.6017del p.(Gly2006AlafsTer6), is a frameshift variant predicted to cause a premature stop codon in biologically relevant exon 52/55, leading to nonsense mediated decay in a gene in which loss of function is an established disease mechanism (PVS1). This variant has been identified in unknown phase with a variant classified as at least likely pathogenic in one patient with clinically suspected LGMD (NM_003494.4: c.6196G>A p.(Ala2066Thr), 0.25 pts, PMID: 27066573) (PM3 not met, PP4). This variant is absent from gnomAD v4.1.0 (PM2_Supporting). In summary, this variant meets the criteria to be classified as Pathogenic for autosomal recessive limb girdle muscular dystrophy based on the ACMG/AMP criteria applied, as specified by the ClinGen LGMD VCEP (LGMD VCEP specifications version 1.0.0; 07/08/2025): PVS1, PP4, PM2_Supporting.